The following is an entry in ClinVar:

ClinVar aggregate classification (germline): Pathogenic/Likely pathogenic. Review status: criteria provided, multiple submitters, no conflicts (2 of 4 stars). 2 submissions from 2 submitters: Pathogenic (1); Likely pathogenic (1). Last evaluated 2021-07-20.

Conditions:
Bethlem myopathy 1A. Also called: Bethlem Muscular Dystrophy; MYOPATHY, BENIGN CONGENITAL, WITH CONTRACTURES; Bethlem myopathy 1. Identifiers: Orphanet 610, MedGen CN029274, MONDO:0024530, OMIM 158810.

Submissions (2):

Labcorp Genetics (formerly Invitae), Labcorp
Classification: Likely pathogenic for Bethlem myopathy 1A. Last evaluated: 2021-07-20. Review status: criteria provided, single submitter. Criteria: Invitae Variant Classification Sherloc (09022015). Collection method: clinical testing. Allele origin: germline.
Comment: Donor and acceptor splice site variants typically lead to a loss of protein function (PMID: 16199547), and loss-of-function variants in COL6A2 are known to be pathogenic (PMID: 19884007, 20976770). In addition, donor and acceptor splice site variants in COL6A2 that result in in-frame exon skipping have also been reported to cause autosomal dominant COL6A2-related conditions (PMID: 18366090). In summary, the currently available evidence indicates that the variant is pathogenic, but additional data are needed to prove that conclusively. Therefore, this variant has been classified as Likely Pathogenic. Algorithms developed to predict the effect of sequence changes on RNA splicing suggest that this variant may disrupt the consensus splice site, but this prediction has not been confirmed by published transcriptional studies. This variant has not been reported in the literature in individuals with COL6A2-related conditions. This variant is not present in population databases (ExAC no frequency). This sequence change affects an acceptor splice site in intron 24 of the COL6A2 gene. It is expected to disrupt RNA splicing and likely results in an absent or disrupted protein product.

Revvity Omics, Revvity
Classification: Pathogenic. Last evaluated: 2020-08-18. Review status: criteria provided, single submitter. Criteria: ACMG Guidelines, 2015. Collection method: clinical testing. Allele origin: germline.

Literature cited by the submitters: PubMed 16199547 (cited by Labcorp Genetics (formerly Invitae), Labcorp); PubMed 19884007 (cited by Labcorp Genetics (formerly Invitae), Labcorp); PubMed 20976770 (cited by Labcorp Genetics (formerly Invitae), Labcorp); PubMed 18366090 (cited by Labcorp Genetics (formerly Invitae), Labcorp).

NM_001849.4(COL6A2):c.1817-2A>G

Gene: COL6A2 (collagen type VI alpha 2 chain; plus strand). Cytogenetic location: 21q22.3.
Variant type: single nucleotide variant.
Coding change: c.1817-2A>G on transcript NM_001849.4 (MANE Select); the canonical splice acceptor site of the intron before coding-DNA position 1817, A replaced by G.
Molecular consequence: splice acceptor variant.
Genome position (GRCh38, 1-based): chr21:46,125,463, A>G. VCF-style: chr21-46125463-A-G. GRCh37 (hg19) VCF-style: chr21-47545377-A-G.
Other names: c.1817-2A>G (NM_058175.3, NM_058174.3).
Identifiers: ClinVar variation 1068195 (VCV001068195.10), dbSNP rs111697581, ClinGen allele CA410538332.